The following is an entry in ClinVar:

ClinVar aggregate classification (germline): Pathogenic (1 of 4 stars; one submission).

Conditions:
Telangiectasia, hereditary hemorrhagic, type 1 (HHT1). Also called: Osler Weber Rendu syndrome type 1; ENG-Related Hereditary Hemorrhagic Telangiectasia. Identifiers: Orphanet 774, MedGen C4551861, MONDO:0008535, OMIM 187300. Disease mechanism: loss of function.

Submission:

Labcorp Genetics (formerly Invitae), Labcorp
Classification: Pathogenic for Osler hemorrhagic telangiectasia syndrome. Last evaluated: 2018-03-19. Review status: criteria provided, single submitter. Criteria: Invitae Variant Classification Sherloc (09022015). Collection method: clinical testing. Allele origin: germline.
Comment: This variant is a gross deletion of the genomic region encompassing exons 1-8 of the ENG gene, which includes the initiator codon. The 5' end of this event is unknown as it extends beyond the assayed region for this gene and therefore may encompass additional genes. The 3' boundary is likely confined to intron 8 of the ENG gene. This is expected to result in an absent or disrupted protein product. This variant has not been reported in the literature in individuals with ENG-related disease. Loss-of-function variants in ENG are known to be pathogenic (PMID: 15879500, 20656886, 22385575). For these reasons, this variant has been classified as Pathogenic.

NC_000009.12:g.(?_127824284)_(127854482_?)del

Gene: ENG (endoglin; minus strand). Cytogenetic location: 9q34.11.
Variant type: Deletion.
Identifiers: ClinVar variation 583412 (VCV000583412.1).